The following is an entry in ClinVar:

ClinVar aggregate classification (germline): Pathogenic. Review status: criteria provided, multiple submitters, no conflicts (2 of 4 stars). 2 submissions from 2 submitters: Pathogenic (2). Last evaluated 2024-08-07.

Conditions:
Neurofibromatosis, type 1 (NF1). Also called: VON RECKLINGHAUSEN DISEASE; Peripheral type neurofibromatosis; NEUROFIBROMATOSIS, TYPE I, SOMATIC; Neurofibromatosis, type I. Identifiers: Orphanet 636, MedGen C0027831, MONDO:0018975, OMIM 162200. Disease mechanism: loss of function.

Submissions (2):

GeneDx
Classification: Pathogenic. Last evaluated: 2024-08-07. Review status: criteria provided, single submitter. Criteria: GeneDx Variant Classification Process June 2021. Collection method: clinical testing. Allele origin: germline. Affected: yes.
Comment: Nonsense variant predicted to result in protein truncation or nonsense mediated decay in a gene for which loss of function is a known mechanism of disease; Not observed at significant frequency in large population cohorts (gnomAD); This variant is associated with the following publications: (PMID: 35982159, 35982160)

Labcorp Genetics (formerly Invitae), Labcorp
Classification: Pathogenic for Neurofibromatosis, type 1. Last evaluated: 2020-05-20. Review status: criteria provided, single submitter. Criteria: Invitae Variant Classification Sherloc (09022015). Collection method: clinical testing. Allele origin: germline.
Comment: This variant has not been reported in the literature in individuals with NF1-related conditions. This variant is not present in population databases (ExAC no frequency). This sequence change creates a premature translational stop signal (p.Tyr2310*) in the NF1 gene. It is expected to result in an absent or disrupted protein product. Loss-of-function variants in NF1 are known to be pathogenic (PMID: 10712197, 23913538). For these reasons, this variant has been classified as Pathogenic.

Literature cited by the submitters: PubMed 10712197 (cited by Labcorp Genetics (formerly Invitae), Labcorp); PubMed 23913538 (cited by Labcorp Genetics (formerly Invitae), Labcorp).

NM_001042492.3(NF1):c.6993T>A (p.Tyr2331Ter)

Gene: NF1 (neurofibromin 1; plus strand). Cytogenetic location: 17q11.2.
Variant type: single nucleotide variant.
Coding change: c.6993T>A on transcript NM_001042492.3 (MANE Select); coding-DNA position 6993, T replaced by A.
Protein change: p.Tyr2331Ter; replaces tyrosine 2331 with a stop codon.
Molecular consequence: nonsense.
Genome position (GRCh38, 1-based): chr17:31,340,576, T>A. VCF-style: chr17-31340576-T-A. GRCh37 (hg19) VCF-style: chr17-29667594-T-A.
Other names: c.6930T>A, p.Tyr2310Ter (NM_000267.4); short protein forms Y2310*, Y2331*.
Identifiers: ClinVar variation 1069788 (VCV001069788.5), dbSNP rs2069792220, ClinGen allele CA399014995.